The following is an entry in ClinVar:

NM_001142644.2(SPHKAP):c.3982G>A (p.Ala1328Thr)

Gene: SPHKAP (SPHK1 interactor, AKAP domain containing; minus strand). Cytogenetic location: 2q36.3.
Variant type: single nucleotide variant.
Coding change: c.3982G>A on transcript NM_001142644.2 (MANE Select); coding-DNA position 3982, G replaced by A.
Protein change: p.Ala1328Thr; replaces alanine 1328 with threonine.
Molecular consequence: missense variant.
Genome position (GRCh38, 1-based): chr2:228,016,872, C>T on the plus strand (G>A on the coding strand, the complement: SPHKAP is on the minus strand). VCF-style: chr2-228016872-C-T. GRCh37 (hg19) VCF-style: chr2-228881588-C-T.
Other names: c.3982G>A, p.Ala1328Thr (NM_030623.4); short protein forms A1328T.
Identifiers: ClinVar variation 2651969 (VCV002651969.24), dbSNP rs61752223, ClinGen allele CA2150373.

ClinVar aggregate classification (germline): Likely benign (1 of 4 stars; one submission).

Allele frequency attached by ClinVar (database versions not stated): 1000 Genomes Project 30x 0.00078; 1000 Genomes Project 0.00100; gnomAD 0.00277; TOPMed 0.00282; ExAC 0.00359; gnomAD exomes 0.00366; ESP Exome Variant Server 0.00415.
gnomAD v4.1: 5,825 of 1,614,114 alleles (0.36%); highest among the groups gnomAD compares: Middle Eastern, 1.7%; 25 homozygotes.

Submission:

CeGaT Center for Human Genetics Tuebingen
Classification: Likely benign. Last evaluated: 2023-03-01. Review status: criteria provided, single submitter. Criteria: CeGaT Center For Human Genetics Tuebingen Variant Classification Criteria Version 2. Collection method: clinical testing. Allele origin: germline. Affected: yes. Observed: 1 variant allele.
Comment: SPHKAP: BP4, BS2